The following is an entry in ClinVar:

NM_003002.4(SDHD):c.353A>C (p.Asp118Ala)

Gene: SDHD (succinate dehydrogenase complex subunit D; plus strand). Cytogenetic location: 11q23.1.
Variant type: single nucleotide variant.
Coding change: c.353A>C on transcript NM_003002.4 (MANE Select); coding-DNA position 353, A replaced by C.
Protein change: p.Asp118Ala; replaces aspartic acid 118 with alanine.
Molecular consequence: missense variant. On other transcripts: 3 prime UTR variant (1), non-coding transcript variant (1).
Genome position (GRCh38, 1-based): chr11:112,094,843, A>C. VCF-style: chr11-112094843-A-C. GRCh37 (hg19) VCF-style: chr11-111965567-A-C.
Other names: c.208A>C, p.Met70Leu (NM_001276503.2); c.236A>C, p.Asp79Ala (NM_001276504.2); c.*51A>C (NM_001276506.2); short protein forms M70L, D118A, D79A.
Identifiers: ClinVar variation 2922023 (VCV002922023.3), dbSNP rs750857413, ClinGen allele CA382618931.
Genomic context (GRCh38, chr11:112,094,843, plus strand): 5'-ATGATTTTTTCTTTTTCTTTAGGGGCCTTGGACAAGTTGTTACTGACTATGTTCATGGGG[A>C]TGCCTTGCAGAAAGCTGCCAAGGCAGGGCTTTTGGCACTTTCAGCTTTAACCTTTGCTGG-3'
Protein context (NP_002993.1, residues 108-128): GQVVTDYVHG[Asp118Ala]ALQKAAKAGL

ClinVar aggregate classification (germline): Uncertain significance (1 of 4 stars; one submission).

Conditions:
Cowden syndrome 3 (CWS3). Identifiers: Orphanet 201, MedGen CN166604, MONDO:0014045.
Carney-Stratakis syndrome. Also called: PARAGANGLIOMA AND GASTROINTESTINAL STROMAL TUMOR. Identifiers: Orphanet 97286, MedGen C1847319, MONDO:0011740, OMIM 606864.
Paragangliomas with sensorineural hearing loss. Identifiers: MedGen C1868633.
Pheochromocytoma. Also called: MAX-Related Hereditary Paraganglioma-Pheochromocytoma Syndrome. Identifiers: Orphanet 29072, MedGen C0031511, MONDO:0008233, OMIM 171300, HP:0002666.

Submission:

Labcorp Genetics (formerly Invitae), Labcorp
Classification: Uncertain significance for Carney-Stratakis syndrome; Paragangliomas with sensorineural hearing loss; Pheochromocytoma; Cowden syndrome 3. Last evaluated: 2024-06-21. Review status: criteria provided, single submitter. Criteria: Invitae Variant Classification Sherloc (09022015). Collection method: clinical testing. Allele origin: germline.
Comment: This sequence change replaces aspartic acid, which is acidic and polar, with alanine, which is neutral and non-polar, at codon 118 of the SDHD protein (p.Asp118Ala). This variant is not present in population databases (gnomAD no frequency). This variant has not been reported in the literature in individuals affected with SDHD-related conditions. Algorithms developed to predict the effect of missense changes on protein structure and function output the following: SIFT: "Not Available"; PolyPhen-2: "Benign"; Align-GVGD: "Not Available". The alanine amino acid residue is found in multiple mammalian species, which suggests that this missense change does not adversely affect protein function. In summary, the available evidence is currently insufficient to determine the role of this variant in disease. Therefore, it has been classified as a Variant of Uncertain Significance.